The following is an entry in ClinVar:

NM_002907.4(RECQL):c.1767A>G (p.Gln589=)

Genes: PYROXD1 (pyridine nucleotide-disulphide oxidoreductase domain 1; plus strand), RECQL (RecQ like helicase; minus strand). Cytogenetic location: 12p12.1.
Variant type: single nucleotide variant.
Coding change: c.1767A>G on transcript NM_002907.4 (MANE Select); coding-DNA position 1767, A replaced by G.
Protein change: p.Gln589=; no amino-acid change (glutamine 589 retained).
Molecular consequence: synonymous variant. On other transcripts: 3 prime UTR variant (3).
Genome position (GRCh38, 1-based): chr12:21,470,999, T>C on the plus strand (A>G on the coding strand, the complement: RECQL is on the minus strand). VCF-style: chr12-21470999-T-C. GRCh37 (hg19) VCF-style: chr12-21623933-T-C.
Other names: c.1767A>G, p.Gln589= (NM_032941.3); c.*2245T>C (NM_001350912.2, NM_001350913.2, NM_024854.5).
Identifiers: ClinVar variation 3572221 (VCV003572221.1).
Genomic context (GRCh38, chr12:21,470,999, plus strand): 5'-ATATAAAACTGAAAATTAATAGCCATTTACCCTGAAAGAGTTCTGCGTGGACTTTGTCAC[T>C]TGCATAGTAATAGCATGTGCCTCATTGTTCAGAAGATTAGCTTTAGGTCCTATTTTCAAA-3'
Protein context (NP_002898.2, residues 579-599): LNNEAHAITM[Gln589=]VTKSTQNSFR

ClinVar aggregate classification (germline): Uncertain significance (1 of 4 stars; one submission).

Submission:

Quest Diagnostics Nichols Institute San Juan Capistrano
Classification: Uncertain significance. Last evaluated: 2024-10-25. Review status: criteria provided, single submitter. Criteria: Quest Diagnostics criteria. Collection method: clinical testing. Allele origin: unknown.
Comment: This test has identified one copy of the c.1767A>G (p.Gln589=) synonymous variant in the RECQL gene. To the best of our knowledge, this variant has not been reported in the published literature. It also has not been reported in large, multi-ethnic general populations (Genome Aggregation Database). Analysis of this variant using software algorithms for the prediction of the effect of nucleotide changes on RECQL mRNA splicing yielded predictions that this variant may result in the gain of a cryptic splice site without affecting the natural splice sites (Alamut Visual). Please note that these prediction tools are not fully validated, and therefore, should be viewed with caution. Based on the available information, we are unable to determine the clinical significance of this variant.